The following is an entry in ClinVar:

ClinVar aggregate classification (germline): Pathogenic/Likely pathogenic. Review status: criteria provided, multiple submitters, no conflicts (2 of 4 stars). 5 submissions from 5 submitters: Pathogenic (3); Likely pathogenic (2). Last evaluated 2026-08-02.

Conditions:
Pyridoxal phosphate-responsive seizures (PNPOD). Also called: EPILEPTIC ENCEPHALOPATHY, NEONATAL, PNPO-RELATED; Pyridoxamine 5-Prime-Phosphate Oxidase Deficiency; SEIZURES, PYRIDOXINE-RESISTANT, PLP-SENSITIVE; Pyridoxal 5'-Phosphate (PLP)-Dependent Epilepsy; Pyridoxine-5'-phosphate oxidase deficiency. Identifiers: Orphanet 79096, MedGen C1864723, MONDO:0012407, OMIM 610090. Disease mechanism: loss of function.

Allele frequency attached by ClinVar (database versions not stated): gnomAD exomes 0.00002 and 0.00003; gnomAD 0.00005; TOPMed 0.00004; ExAC 0.00001.

Submissions (5):

GeneDx
Classification: Likely pathogenic. Last evaluated: 2026-08-02. Review status: criteria provided, single submitter. Criteria: GeneDx Variant Classification Process June 2021. Collection method: clinical testing. Allele origin: germline.
Comment: In silico analysis supports that this missense variant has a deleterious effect on protein structure/function; Not observed at significant frequency in large population cohorts (gnomAD); This variant is associated with the following publications: (PMID: 36922472, 37583270, 36106796, 28349276)

Labcorp Genetics (formerly Invitae), Labcorp
Classification: Pathogenic for Pyridoxal phosphate-responsive seizures. Last evaluated: 2025-06-02. Review status: criteria provided, single submitter. Criteria: Invitae Variant Classification Sherloc (09022015). Collection method: clinical testing. Allele origin: germline.
Comment: This sequence change replaces arginine, which is basic and polar, with histidine, which is basic and polar, at codon 138 of the PNPO protein (p.Arg138His). This variant is present in population databases (rs764940495, gnomAD 0.01%). This missense change has been observed in individual(s) with clinical features of PNPO-related epilepsy and/or PNPO-related epilepsy (PMID: 28349276, 36106796). In at least one individual the data is consistent with being in trans (on the opposite chromosome) from a pathogenic variant. ClinVar contains an entry for this variant (Variation ID: 836375). Invitae Evidence Modeling of protein sequence and biophysical properties (such as structural, functional, and spatial information, amino acid conservation, physicochemical variation, residue mobility, and thermodynamic stability) has been performed for this missense variant. However, the output from this modeling did not meet the statistical confidence thresholds required to predict the impact of this variant on PNPO protein function. This variant disrupts the p.Arg138 amino acid residue in PNPO. Other variant(s) that disrupt this residue have been observed in individuals with PNPO-related conditions (PMID: 35495162), which suggests that this may be a clinically significant amino acid residue. For these reasons, this variant has been classified as Pathogenic.

Neurogenetics Team, Indira Gandhi Institute of Child Health
Classification: Likely pathogenic for Pyridoxal phosphate-responsive seizures. Last evaluated: 2024-10-18. Review status: criteria provided, single submitter. Criteria: ACMG Guidelines, 2015. Collection method: clinical testing. Allele origin: biparental. Inheritance: Autosomal recessive inheritance. Affected: yes. Observed: 1 homozygote.
Comment: The variant identified is present at extremely low frequency in the gnomAD (PM2), damaging by multiple insilico tools (PP3). The same variant has been reported previously as pathogenic/likely pathogenic in ClinVar database (PP5). The variant is identified in a gene where missense mutations are a common mechanism for disease causation (PP2). A different amino acid change in the same codon p.(Arg138Cys) has been reported pathogenic previously (PM3).Based on the above criteria the variant is classified as likely pathogenic.

Fulgent Genetics
Classification: Pathogenic for Pyridoxal phosphate-responsive seizures. Last evaluated: 2024-05-14. Review status: criteria provided, single submitter. Criteria: ACMG Guidelines, 2015. Collection method: clinical testing. Allele origin: germline.

Women's Health and Genetics/Laboratory Corporation of America, LabCorp
Classification: Pathogenic for Pyridoxal phosphate-responsive seizures. Last evaluated: 2024-05-10. Review status: criteria provided, single submitter. Criteria: LabCorp Variant Classification Summary - May 2015. Collection method: clinical testing. Allele origin: germline.
Comment: Variant summary: PNPO c.413G>A (p.Arg138His) results in a non-conservative amino acid change located in the Pyridoxamine 5'-phosphate oxidase, putative domain (IPR011576) of the encoded protein sequence. Five of five in-silico tools predict a damaging effect of the variant on protein function. The variant allele was found at a frequency of 2e-05 in 251476 control chromosomes. c.413G>A has been reported in the literature in individuals affected with Pyridoxal 5'-Phosphate-Dependent Epilepsy (e.g. Jiao_2023). These data indicate that the variant is likely to be associated with disease. Another missense variant affecting this amino acid (p.Arg138Cys; CV ID 2892339) has been determined to be pathogenic, supporting the critical relevance of codon 138 to PNPO protein function. The following publication have been ascertained in the context of this evaluation (PMID: 36106796). ClinVar contains an entry for this variant (Variation ID: 836375). Based on the evidence outlined above, the variant was classified as pathogenic.

Literature cited by the submitters: PubMed 28349276 (cited by Labcorp Genetics (formerly Invitae), Labcorp); PubMed 36106796 (cited by Labcorp Genetics (formerly Invitae), Labcorp and Women's Health and Genetics/Laboratory Corporation of America, LabCorp); PubMed 35495162 (cited by Labcorp Genetics (formerly Invitae), Labcorp).

NM_018129.4(PNPO):c.413G>A (p.Arg138His)

Gene: PNPO (pyridoxamine 5'-phosphate oxidase; plus strand). Cytogenetic location: 17q21.32.
Variant type: single nucleotide variant.
Coding change: c.413G>A on transcript NM_018129.4 (MANE Select); coding-DNA position 413, G replaced by A.
Protein change: p.Arg138His; replaces arginine 138 with histidine.
Molecular consequence: missense variant.
Genome position (GRCh38, 1-based): chr17:47,945,608, G>A. VCF-style: chr17-47945608-G-A. GRCh37 (hg19) VCF-style: chr17-46022974-G-A.
Other names: short protein forms R138H.
Identifiers: ClinVar variation 836375 (VCV000836375.16), dbSNP rs764940495, ClinGen allele CA8629176.